The following is an entry in ClinVar:

ClinVar aggregate classification (germline): Uncertain significance (1 of 4 stars; one submission).

Submission:

Ambry Genetics
Classification: Uncertain significance. Last evaluated: 2025-05-24. Review status: criteria provided, single submitter. Criteria: Ambry Variant Classification Scheme 2023. Collection method: clinical testing. Allele origin: germline.
Comment: The p.S300G variant (also known as c.898A>G), located in coding exon 6 of the ATRIP gene, results from an A to G substitution at nucleotide position 898. The serine at codon 300 is replaced by glycine, an amino acid with similar properties. This amino acid position is conserved. In addition, this alteration is predicted to be tolerated by in silico analysis. Based on the available evidence, the clinical significance of this variant remains unclear.

NM_130384.3(ATRIP):c.898A>G (p.Ser300Gly)

Genes: ATRIP (ATR interacting protein; plus strand), ATRIP-TREX1 (ATRIP-TREX1 readthrough; plus strand). Cytogenetic location: 3p21.31.
Variant type: single nucleotide variant.
Coding change: c.898A>G on transcript NM_130384.3 (MANE Select); coding-DNA position 898, A replaced by G.
Protein change: p.Ser300Gly; replaces serine 300 with glycine.
Molecular consequence: missense variant. On other transcripts: non-coding transcript variant (1).
Genome position (GRCh38, 1-based): chr3:48,459,427, A>G. VCF-style: chr3-48459427-A-G. GRCh37 (hg19) VCF-style: chr3-48500826-A-G.
Other names: c.517A>G, p.Ser173Gly (NM_001271022.2); c.619A>G, p.Ser207Gly (NM_001271023.2); c.898A>G, p.Ser300Gly (NM_032166.4); short protein forms S173G, S207G, S300G.
Identifiers: ClinVar variation 3976794 (VCV003976794.1).